The following is an entry in ClinVar:

NM_001347721.2(DYRK1A):c.1072del

Gene: DYRK1A (dual specificity tyrosine phosphorylation regulated kinase 1A; plus strand). Cytogenetic location: 21q22.13.
Variant type: Deletion.
Coding change: c.1072del on transcript NM_001347721.2 (MANE Select); coding-DNA position 1072, one base deleted (G; older notation c.1072delG).
Molecular consequence: splice acceptor variant.
Genome position (GRCh38, 1-based): chr21:37,496,118, G deleted; the last of 2 consecutive G bases (chr21:37,496,117-37,496,118); deleting either gives the same sequence. VCF-style (leftmost placement, unchanged base first): chr21-37496116-AG-A. GRCh37 (hg19) VCF-style: chr21-38868418-AG-A.
Identifiers: ClinVar variation 3062324 (VCV003062324.1), dbSNP rs2518048064, ClinGen allele CA2740094712.

ClinVar aggregate classification (germline): Likely pathogenic (1 of 4 stars; one submission).

Conditions:
DYRK1A-related intellectual disability syndrome (MRD7). Also called: DYRK1A Syndrome; Intellectual developmental disorder, autosomal dominant 7. Identifiers: Orphanet 464306, MedGen C5568143, MONDO:0013578, OMIM 614104.

Submission:

Molecular Genetics Department, Kulakov National Medical Research Center for Obstetrics, Gynecology and Perinatology
Classification: Likely pathogenic for DYRK1A-related intellectual disability syndrome. Review status: criteria provided, single submitter. Criteria: ACMG Guidelines, 2015. Collection method: clinical testing. Allele origin: germline. Affected: yes.
Comment: A previously undescribed nucleotide variant creates a premature translation stop signal p.Val358Ter in the DYRK1A gene. Loss-of-function variants are reported in patients with Intellectual developmental disorder, autosomal dominant 7, 614104. The variant is not present in population database (gnomAD no frequency). In summary, the currently available evidence indicates that the variant is pathogenic, but additional data are needed to prove that conclusively. Therefore, this variant has been classified as likely pathogenic.